The following is an entry in ClinVar:

NM_005087.4(FXR1):c.346A>G (p.Asn116Asp)

Gene: FXR1 (FMR1 autosomal homolog 1; plus strand). Cytogenetic location: 3q26.33.
Variant type: single nucleotide variant.
Coding change: c.346A>G on transcript NM_005087.4 (MANE Select); coding-DNA position 346, A replaced by G.
Protein change: p.Asn116Asp; replaces asparagine 116 with aspartic acid.
Molecular consequence: missense variant.
Genome position (GRCh38, 1-based): chr3:180,948,422, A>G. VCF-style: chr3-180948422-A-G. GRCh37 (hg19) VCF-style: chr3-180666210-A-G.
Other names: c.346A>G, p.Asn116Asp (NM_001013438.3); c.91A>G, p.Asn31Asp (NM_001013439.3, NM_001363882.1); short protein forms N116D, N31D.
Identifiers: ClinVar variation 986381 (VCV000986381.1), dbSNP rs1721905984, ClinGen allele CA355308101.

ClinVar aggregate classification (germline): Uncertain significance (1 of 4 stars; one submission).

Conditions:
Congenital myopathy. Identifiers: Orphanet 97245, MedGen C0270960, MONDO:0019952.

Submission:

Broad Center for Mendelian Genomics, Broad Institute of MIT and Harvard
Classification: Uncertain significance for Congenital myopathy. Last evaluated: 2020-11-16. Review status: criteria provided, single submitter. Criteria: ACMG Guidelines, 2015. Collection method: curation. Allele origin: germline. Inheritance: Autosomal dominant inheritance.
Comment: Trio genome analysis showed this variant to be de novo. The variant has not been previously reported in individuals with congenital myopathy and was absent from large population studies. Computational prediction tools and conservation analyses do not provide strong support for or against an impact to the protein. Finally, although this gene has been reported in association with congenital myopathy, it currently has limited evidence for these associations. In summary, while there is some suspicion for a pathogenic role, the evidence for this gene-disease relationship is limited and therefore the clinical significance of this variant is uncertain. ACMG/AMP Criteria applied: PS2, PM2 (Richards 2015).